The following is an entry in ClinVar:

NM_006118.4(HAX1):c.385A>T (p.Met129Leu)

Gene: HAX1 (HCLS1 associated protein X-1; plus strand). Cytogenetic location: 1q21.3.
Variant type: single nucleotide variant.
Coding change: c.385A>T on transcript NM_006118.4 (MANE Select); coding-DNA position 385, A replaced by T.
Protein change: p.Met129Leu; replaces methionine 129 with leucine.
Molecular consequence: missense variant.
Genome position (GRCh38, 1-based): chr1:154,273,842, A>T. VCF-style: chr1-154273842-A-T. GRCh37 (hg19) VCF-style: chr1-154246318-A-T.
Other names: c.241A>T, p.Met81Leu (NM_001018837.2); short protein forms M129L, M81L.
Identifiers: ClinVar variation 2823651 (VCV002823651.1), dbSNP rs371507235, ClinGen allele CA342592531.

ClinVar aggregate classification (germline): Uncertain significance (1 of 4 stars; one submission).

Conditions:
Kostmann syndrome (SCN3). Also called: KOSTMANN DISEASE; Autosomal recessive severe congenital neutropenia type 3. Identifiers: Orphanet 99749, MedGen C5235141, MONDO:0012548, OMIM 610738.

Submission:

Labcorp Genetics (formerly Invitae), Labcorp
Classification: Uncertain significance for Kostmann syndrome. Last evaluated: 2023-01-03. Review status: criteria provided, single submitter. Criteria: Invitae Variant Classification Sherloc (09022015). Collection method: clinical testing. Allele origin: germline.
Comment: This variant has not been reported in the literature in individuals affected with HAX1-related conditions. In summary, the available evidence is currently insufficient to determine the role of this variant in disease. Therefore, it has been classified as a Variant of Uncertain Significance. Advanced modeling of protein sequence and biophysical properties (such as structural, functional, and spatial information, amino acid conservation, physicochemical variation, residue mobility, and thermodynamic stability) performed at Invitae indicates that this missense variant is expected to disrupt HAX1 protein function. This variant is not present in population databases (gnomAD no frequency). This sequence change replaces methionine, which is neutral and non-polar, with leucine, which is neutral and non-polar, at codon 129 of the HAX1 protein (p.Met129Leu).